The following is an entry in ClinVar:

ClinVar aggregate classification (germline): Pathogenic (1 of 4 stars; one submission).

Conditions:
Multiple congenital exostosis (EXT). Also called: Hereditary multiple exostoses; Hereditary multiple exostosis; MULTIPLE CARTILAGINOUS EXOSTOSES; Multiple osteochondromas; Hereditary multiple osteochondromas; Multiple exostoses. Identifiers: Orphanet 321, MedGen C0015306, MONDO:0005508, HP:0002762.

Submission:

Labcorp Genetics (formerly Invitae), Labcorp
Classification: Pathogenic for Multiple congenital exostosis. Last evaluated: 2018-02-21. Review status: criteria provided, single submitter. Criteria: Invitae Variant Classification Sherloc (09022015). Collection method: clinical testing. Allele origin: germline.
Comment: For these reasons, this variant has been classified as Pathogenic. Loss-of-function variants in EXT1 are known to be pathogenic (PMID: 10679937, 11391482, 19810120). This variant has not been reported in the literature in individuals with EXT1-related disease. This variant is not present in population databases (ExAC no frequency). This sequence change creates a premature translational stop signal (p.Ser35Alafs*101) in the EXT1 gene. It is expected to result in an absent or disrupted protein product.

Literature cited by the submitters: PubMed 10679937; PubMed 11391482; PubMed 19810120.

NM_000127.3(EXT1):c.103del (p.Ser35fs)

Gene: EXT1 (exostosin glycosyltransferase 1; minus strand). Cytogenetic location: 8q24.11.
Variant type: Deletion.
Coding change: c.103del on transcript NM_000127.3 (MANE Select); coding-DNA position 103, one base deleted (A; older notation c.103delA).
Protein change: p.Ser35fs; shifts the reading frame from serine 35.
Molecular consequence: frameshift variant.
Genome position (GRCh38, 1-based): chr8:118,110,944, T deleted on the plus strand (A on the coding strand, the reverse complement: EXT1 is on the minus strand). VCF-style (leftmost placement, unchanged base first): chr8-118110943-CT-C. GRCh37 (hg19) VCF-style: chr8-119123182-CT-C.
Other names: c.103delA (NM_000127.2); short protein forms S35fs.
Identifiers: ClinVar variation 580698 (VCV000580698.6), dbSNP rs1563659821, ClinGen allele CA891843245.